The following is an entry in ClinVar:

ClinVar aggregate classification (germline): Likely benign. Review status: criteria provided, multiple submitters, no conflicts (2 of 4 stars). 5 submissions from 5 submitters: Likely benign (3). 2 of the submissions do not count toward it. Last evaluated 2025-11-28.

Conditions:
HOXA13-related disorder. Also called: HOXA13-related condition.
Guttmacher syndrome. Identifiers: Orphanet 2957, MedGen C1867801, MONDO:0008301, OMIM 176305.
Hand-foot-genital syndrome (HFG). Also called: HFU syndrome; HFG syndrome; Hand-Foot-Uterus Syndrome. Identifiers: Orphanet 2438, MedGen C1841679, MONDO:0007698, OMIM 140000.

Submissions (5):

Labcorp Genetics (formerly Invitae), Labcorp
Classification: Likely benign. Last evaluated: 2025-11-28. Review status: criteria provided, single submitter. Criteria: Invitae Variant Classification Sherloc (09022015). Collection method: clinical testing. Allele origin: germline.

Blueprint Genetics
Classification: Likely benign. Last evaluated: 2024-11-20. Review status: criteria provided, single submitter. Criteria: ACMG Guidelines, 2015. Collection method: clinical testing. Allele origin: germline.

Fulgent Genetics
Classification: Likely benign for Hand-foot-genital syndrome; Guttmacher syndrome. Last evaluated: 2021-10-11. Review status: criteria provided, single submitter. Criteria: ACMG Guidelines, 2015. Collection method: clinical testing. Allele origin: unknown.

PreventionGenetics, part of Exact Sciences
Classification: Likely benign for HOXA13-related condition. Last evaluated: 2022-09-06. Review status: no assertion criteria provided. Collection method: clinical testing. Allele origin: germline. Not counted in ClinVar's aggregate classification.
Comment: This variant is classified as likely benign based on ACMG/AMP sequence variant interpretation guidelines (Richards et al. 2015 PMID: 25741868, with internal and published modifications).

Gharavi Laboratory, Columbia University
Classification: Uncertain significance. Last evaluated: 2018-09-16. Review status: no assertion criteria provided. Criteria: ACMG Guidelines, 2015. Collection method: research. Allele origin: germline. Affected: yes. Not counted in ClinVar's aggregate classification.

NM_000522.5(HOXA13):c.360_377del (p.Ala128_Ala133del)

Genes: HOXA13 (homeobox A13; minus strand), LOC107126288 (NUP98-HOXA13 recombination region; plus strand). Cytogenetic location: 7p15.2.
Variant type: Deletion.
Coding change: c.360_377del on transcript NM_000522.5 (MANE Select); coding-DNA positions 360 to 377, 18 bases deleted (TGCCGCGGCTGCCGCTGC).
Protein change: p.Ala128_Ala133del.
Molecular consequence: inframe deletion.
Genome position (GRCh38, 1-based): chr7:27,199,701-27,199,718, GCAGCGGCAGCCGCGGCA deleted on the plus strand (TGCCGCGGCTGCCGCTGC on the coding strand, the reverse complement: HOXA13 is on the minus strand); deleting any 18 consecutive bases within chr7:27,199,701-27,199,726 gives the same sequence; the c. name uses the placement nearest the transcript's 3' end. VCF-style (leftmost placement, unchanged base first): chr7-27199700-TGCAGCGGCAGCCGCGGCA-T. GRCh37 (hg19) VCF-style: chr7-27239319-TGCAGCGGCAGCCGCGGCA-T.
Other names: c.360_377del18 (NM_000522.4).
Identifiers: ClinVar variation 591433 (VCV000591433.12), dbSNP rs35861510, ClinGen allele CA155875469.